The following is an entry in ClinVar:

NM_006231.4(POLE):c.2099C>G (p.Pro700Arg)

Gene: POLE (DNA polymerase epsilon, catalytic subunit; minus strand). Cytogenetic location: 12q24.33.
Variant type: single nucleotide variant.
Coding change: c.2099C>G on transcript NM_006231.4 (MANE Select); coding-DNA position 2099, C replaced by G.
Protein change: p.Pro700Arg; replaces proline 700 with arginine.
Molecular consequence: missense variant.
Genome position (GRCh38, 1-based): chr12:132,668,430, G>C on the plus strand (C>G on the coding strand, the complement: POLE is on the minus strand). VCF-style: chr12-132668430-G-C. GRCh37 (hg19) VCF-style: chr12-133245016-G-C.
Other names: short protein forms P700R.
Identifiers: ClinVar variation 1447197 (VCV001447197.8), dbSNP rs777002868, ClinGen allele CA387353974.

ClinVar aggregate classification (germline): Uncertain significance (1 of 4 stars; one submission).

Submission:

Labcorp Genetics (formerly Invitae), Labcorp
Classification: Uncertain significance. Last evaluated: 2024-05-02. Review status: criteria provided, single submitter. Criteria: Invitae Variant Classification Sherloc (09022015). Collection method: clinical testing. Allele origin: germline.
Comment: This sequence change replaces proline, which is neutral and non-polar, with arginine, which is basic and polar, at codon 700 of the POLE protein (p.Pro700Arg). This variant is not present in population databases (gnomAD no frequency). This variant has not been reported in the literature in individuals affected with POLE-related conditions. ClinVar contains an entry for this variant (Variation ID: 1447197). Advanced modeling of protein sequence and biophysical properties (such as structural, functional, and spatial information, amino acid conservation, physicochemical variation, residue mobility, and thermodynamic stability) performed at Invitae indicates that this missense variant is not expected to disrupt POLE protein function with a negative predictive value of 80%. In summary, the available evidence is currently insufficient to determine the role of this variant in disease. Therefore, it has been classified as a Variant of Uncertain Significance.